The following is an entry in ClinVar:

ClinVar aggregate classification (germline): Uncertain significance. Review status: criteria provided, multiple submitters, no conflicts (2 of 4 stars). 3 submissions from 3 submitters: Uncertain significance (2). 1 of the submissions does not count toward it. Last evaluated 2024-10-22.

Conditions:
VCAN-related disorder. Also called: VCAN-related condition.

Allele frequency attached by ClinVar (database versions not stated): gnomAD 0.00001; ESP Exome Variant Server 0.00008.
gnomAD v4.1: 14 of 1,613,976 alleles (0.00087%); highest among the groups gnomAD compares: Non-Finnish European, 0.0011%; no homozygotes.

Submissions (3):

Labcorp Genetics (formerly Invitae), Labcorp
Classification: Uncertain significance. Last evaluated: 2024-10-22. Review status: criteria provided, single submitter. Criteria: Invitae Variant Classification Sherloc (09022015). Collection method: clinical testing. Allele origin: germline.
Comment: This sequence change replaces threonine, which is neutral and polar, with lysine, which is basic and polar, at codon 3148 of the VCAN protein (p.Thr3148Lys). This variant is not present in population databases (gnomAD no frequency). This variant has not been reported in the literature in individuals affected with VCAN-related conditions. ClinVar contains an entry for this variant (Variation ID: 1995112). An algorithm developed to predict the effect of missense changes on protein structure and function (PolyPhen-2) suggests that this variant is likely to be disruptive. In summary, the available evidence is currently insufficient to determine the role of this variant in disease. Therefore, it has been classified as a Variant of Uncertain Significance.

GeneDx
Classification: Uncertain significance. Last evaluated: 2023-03-06. Review status: criteria provided, single submitter. Criteria: GeneDx Variant Classification Process June 2021. Collection method: clinical testing. Allele origin: germline. Affected: yes.
Comment: Not observed at significant frequency in large population cohorts (gnomAD); In silico analysis supports that this missense variant has a deleterious effect on protein structure/function; Has not been previously published as pathogenic or benign to our knowledge

PreventionGenetics, part of Exact Sciences
Classification: Uncertain significance for VCAN-related condition. Last evaluated: 2024-09-05. Review status: no assertion criteria provided. Collection method: clinical testing. Allele origin: germline. Not counted in ClinVar's aggregate classification.
Comment: The VCAN c.9443C>A variant is predicted to result in the amino acid substitution p.Thr3148Lys. To our knowledge, this variant has not been reported in the literature or in a large population database, indicating this variant is rare. At this time, the clinical significance of this variant is uncertain due to the absence of conclusive functional and genetic evidence.

NM_004385.5(VCAN):c.9443C>A (p.Thr3148Lys)

Genes: VCAN (versican; plus strand), VCAN-AS1 (VCAN antisense RNA 1; minus strand). Cytogenetic location: 5q14.3.
Variant type: single nucleotide variant.
Coding change: c.9443C>A on transcript NM_004385.5 (MANE Select); coding-DNA position 9443, C replaced by A.
Protein change: p.Thr3148Lys; replaces threonine 3148 with lysine.
Molecular consequence: missense variant.
Genome position (GRCh38, 1-based): chr5:83,548,034, C>A. VCF-style: chr5-83548034-C-A. GRCh37 (hg19) VCF-style: chr5-82843853-C-A.
Other names: c.1220C>A, p.Thr407Lys (NM_001126336.3); c.6482C>A, p.Thr2161Lys (NM_001164097.2); c.4181C>A, p.Thr1394Lys (NM_001164098.2); c.9443C>A (NM_004385.4); short protein forms T2161K, T1394K, T3148K, T407K.
Identifiers: ClinVar variation 1995112 (VCV001995112.6), dbSNP rs374872107, ClinGen allele CA121779504.